The following is an entry in ClinVar:

ClinVar aggregate classification (germline): Conflicting classifications of pathogenicity. Review status: criteria provided, conflicting classifications (1 of 4 stars). 7 submissions from 7 submitters: Uncertain significance (4); Likely benign (2). 1 of the submissions does not count toward it. Last evaluated 2026-09-01.

Conditions:
ATP13A2-related disorder. Also called: ATP13A2-related disorders; ATP13A2-related condition.
Kufor-Rakeb syndrome (KRS). Also called: PARKINSON DISEASE 9, AUTOSOMAL RECESSIVE, JUVENILE-ONSET. Identifiers: Orphanet 306674, Orphanet 314632, MedGen C1847640, MONDO:0011706, OMIM 606693.
Autosomal recessive spastic paraplegia type 78. Identifiers: Orphanet 513436, MedGen C5567893, MONDO:0014975, OMIM 617225.
Inborn genetic diseases. Identifiers: MedGen C0950123, MeSH D030342.

Allele frequency attached by ClinVar (database versions not stated): TOPMed 0.00018; gnomAD exomes 0.00022; gnomAD 0.00033 and 0.00035; ExAC 0.00034; 1000 Genomes Project 30x 0.00078; 1000 Genomes Project 0.00080.
gnomAD v4.1: 306 of 1,602,234 alleles (0.019%); highest among the groups gnomAD compares: Middle Eastern, 0.12%; 2 homozygotes.

Submissions (7):

CeGaT Center for Human Genetics Tuebingen
Classification: Likely benign. Last evaluated: 2026-09-01. Review status: criteria provided, single submitter. Criteria: CeGaT Center For Human Genetics Tuebingen Variant Classification Criteria Version 2. Collection method: clinical testing. Allele origin: germline. Affected: yes. Observed: 5 variant alleles.
Comment: ATP13A2: BP4, BS1

Ambry Genetics
Classification: Uncertain significance for Inborn genetic diseases. Last evaluated: 2024-11-15. Review status: criteria provided, single submitter. Criteria: Ambry Variant Classification Scheme 2023. Collection method: clinical testing. Allele origin: germline.
Comment: The c.1039+6C>T intronic alteration consists of a C to T substitution nucleotides after coding exon 11 in the ATP13A2 gene. Based on insufficient or conflicting evidence, the clinical significance of this alteration remains unclear.

Blueprint Genetics
Classification: Likely benign. Last evaluated: 2024-09-12. Review status: criteria provided, single submitter. Criteria: ACMG Guidelines, 2015. Collection method: clinical testing. Allele origin: germline.

Labcorp Genetics (formerly Invitae), Labcorp
Classification: Uncertain significance for Kufor-Rakeb syndrome; Autosomal recessive spastic paraplegia type 78. Last evaluated: 2022-10-24. Review status: criteria provided, single submitter. Criteria: Invitae Variant Classification Sherloc (09022015). Collection method: clinical testing. Allele origin: germline.
Comment: This sequence change falls in intron 11 of the ATP13A2 gene. It does not directly change the encoded amino acid sequence of the ATP13A2 protein. It affects a nucleotide within the consensus splice site. This variant is present in population databases (rs565724504, gnomAD 0.03%). This variant has not been reported in the literature in individuals affected with ATP13A2-related conditions. ClinVar contains an entry for this variant (Variation ID: 625890). Variants that disrupt the consensus splice site are a relatively common cause of aberrant splicing (PMID: 17576681, 9536098). Algorithms developed to predict the effect of sequence changes on RNA splicing suggest that this variant is not likely to affect RNA splicing. In summary, the available evidence is currently insufficient to determine the role of this variant in disease. Therefore, it has been classified as a Variant of Uncertain Significance.

Fulgent Genetics
Classification: Uncertain significance for Kufor-Rakeb syndrome; Autosomal recessive spastic paraplegia type 78. Last evaluated: 2021-10-06. Review status: criteria provided, single submitter. Criteria: ACMG Guidelines, 2015. Collection method: clinical testing. Allele origin: unknown.

Center for Genomics, Ann and Robert H. Lurie Children's Hospital of Chicago
Classification: Uncertain significance for Autosomal recessive spastic paraplegia type 78; Kufor-Rakeb syndrome. Review status: criteria provided, single submitter. Criteria: ACMG Guidelines, 2015. Collection method: clinical testing. Allele origin: germline.
Comment: ATP13A2 NM_022089 exon11 c.1039+6C>T: This variant has not been reported in the literature but is present in 10/32884 Latino alleles in the Genome Aggregation Database. Evolutionary conservation and computational predictive tools for this variant are limited or unavailable. This variant is an intronic variant with no predicted change in the amino acid sequence but may have an unknown effect on splicing. Further studies are needed to understand its impact. In summary, data on this variant is insufficient for disease classification. Therefore, the clinical significance of this variant is uncertain

PreventionGenetics, part of Exact Sciences
Classification: Likely benign for ATP13A2-related condition. Last evaluated: 2019-02-22. Review status: no assertion criteria provided. Collection method: clinical testing. Allele origin: germline. Not counted in ClinVar's aggregate classification.
Comment: This variant is classified as likely benign based on ACMG/AMP sequence variant interpretation guidelines (Richards et al. 2015 PMID: 25741868, with internal and published modifications).

Literature cited by the submitters: PubMed 17576681 (cited by Labcorp Genetics (formerly Invitae), Labcorp); PubMed 9536098 (cited by Labcorp Genetics (formerly Invitae), Labcorp).

NM_022089.4(ATP13A2):c.1039+6C>T

Gene: ATP13A2 (ATPase cation transporting 13A2; minus strand). Cytogenetic location: 1p36.13.
Variant type: single nucleotide variant.
Coding change: c.1039+6C>T on transcript NM_022089.4 (MANE Select); 6 bases into the intron after coding-DNA position 1039, C replaced by T.
Molecular consequence: intron variant.
Genome position (GRCh38, 1-based): chr1:17,000,005, G>A on the plus strand (C>T on the coding strand, the complement: ATP13A2 is on the minus strand). VCF-style: chr1-17000005-G-A. GRCh37 (hg19) VCF-style: chr1-17326500-G-A.
Other names: c.1024+6C>T (NM_001141974.3, NM_001141973.3); c.1039+6C>T (NM_022089.2).
Identifiers: ClinVar variation 625890 (VCV000625890.43), dbSNP rs565724504, ClinGen allele CA637397.